The following is an entry in ClinVar:

ClinVar aggregate classification (germline): Uncertain significance (1 of 4 stars; one submission).

Conditions:
Autosomal recessive limb-girdle muscular dystrophy type R18 (LGMDR18). Also called: Limb-girdle muscular dystrophy, type 2S; MUSCULAR DYSTROPHY, LIMB-GIRDLE, AUTOSOMAL RECESSIVE 18; Autosomal recessive limb-girdle muscular dystrophy type 2S. Identifiers: Orphanet 369840, MedGen C4517996, MONDO:0014144, OMIM 615356.

Allele frequency attached by ClinVar (database versions not stated): gnomAD exomes below 0.00001.
gnomAD v4.1: 2 of 1,613,792 alleles (0.00012%); highest among the groups gnomAD compares: Non-Finnish European, 0.00017%; no homozygotes.

Submission:

Labcorp Genetics (formerly Invitae), Labcorp
Classification: Uncertain significance for Autosomal recessive limb-girdle muscular dystrophy type R18. Last evaluated: 2022-05-30. Review status: criteria provided, single submitter. Criteria: Invitae Variant Classification Sherloc (09022015). Collection method: clinical testing. Allele origin: germline.
Comment: ClinVar contains an entry for this variant (Variation ID: 1409176). This variant has not been reported in the literature in individuals affected with TRAPPC11-related conditions. This variant is not present in population databases (gnomAD no frequency). This sequence change replaces serine, which is neutral and polar, with proline, which is neutral and non-polar, at codon 503 of the TRAPPC11 protein (p.Ser503Pro). Algorithms developed to predict the effect of missense changes on protein structure and function are either unavailable or do not agree on the potential impact of this missense change (SIFT: "Deleterious"; PolyPhen-2: "Possibly Damaging"; Align-GVGD: "Class C0"). In summary, the available evidence is currently insufficient to determine the role of this variant in disease. Therefore, it has been classified as a Variant of Uncertain Significance.

NM_021942.6(TRAPPC11):c.1507T>C (p.Ser503Pro)

Gene: TRAPPC11 (trafficking protein particle complex subunit 11; plus strand). Cytogenetic location: 4q35.1.
Variant type: single nucleotide variant.
Coding change: c.1507T>C on transcript NM_021942.6 (MANE Select); coding-DNA position 1507, T replaced by C.
Protein change: p.Ser503Pro; replaces serine 503 with proline.
Molecular consequence: missense variant.
Genome position (GRCh38, 1-based): chr4:183,684,781, T>C. VCF-style: chr4-183684781-T-C. GRCh37 (hg19) VCF-style: chr4-184605934-T-C.
Other names: c.1507T>C, p.Ser503Pro (NM_199053.3); short protein forms S503P.
Identifiers: ClinVar variation 1409176 (VCV001409176.5), dbSNP rs1735879493, ClinGen allele CA358867480.